The following is an entry in ClinVar:

NM_002528.7(NTHL1):c.274C>T (p.Arg92Cys)

Gene: NTHL1 (nth like DNA glycosylase 1; minus strand). Cytogenetic location: 16p13.3.
Variant type: single nucleotide variant.
Coding change: c.274C>T on transcript NM_002528.7 (MANE Select); coding-DNA position 274, C replaced by T.
Protein change: p.Arg92Cys; replaces arginine 92 with cysteine.
Molecular consequence: missense variant. On other transcripts: intron variant (1).
Genome position (GRCh38, 1-based): chr16:2,046,208, G>A on the plus strand (C>T on the coding strand, the complement: NTHL1 is on the minus strand). VCF-style: chr16-2046208-G-A. GRCh37 (hg19) VCF-style: chr16-2096209-G-A.
Other names: p.Arg92Cys; c.274C>T, p.Arg92Cys (LRG_1366t1, NM_001318193.2); c.24+72C>T (NM_001318194.2); short protein forms R92C.
Identifiers: ClinVar variation 499145 (VCV000499145.83), dbSNP rs148104494, ClinGen allele CA7828332.

ClinVar aggregate classification (germline): Conflicting classifications of pathogenicity. Review status: criteria provided, conflicting classifications (1 of 4 stars). 20 submissions from 20 submitters: Uncertain significance (12); Likely benign (4). 4 of the submissions do not count toward it. Last evaluated 2026-02-03.

Conditions:
NTHL1-related disorder. Also called: NTHL1-related conditions; NTHL1-related condition.
Familial adenomatous polyposis 3. Also called: NTHL1-Related Adenomatous Polyposis and Colorectal Cancer; NTHL1-related attenuated familial adenomatous polyposis; NTHL1 Tumor Syndrome; NTHL1-associated polyposis. Identifiers: Orphanet 220460, Orphanet 454840, MedGen C4225157, MONDO:0014630, OMIM 616415.
NTHL1-deficiency tumor predisposition syndrome. Identifiers: MedGen CN315924, MONDO:0100502.
Hereditary cancer-predisposing syndrome. Also called: Hereditary neoplastic syndrome; Neoplastic Syndromes, Hereditary; Hereditary Cancer Syndrome; Tumor predisposition. Identifiers: Orphanet 140162, MedGen C0027672, MeSH D009386, MONDO:0015356.

Allele frequency attached by ClinVar (database versions not stated): 1000 Genomes Project 0.00060; 1000 Genomes Project 30x 0.00062; gnomAD 0.00086 and 0.00090; TOPMed 0.00087; ExAC 0.00089; ESP Exome Variant Server 0.00092; gnomAD exomes 0.00092 and 0.00135.

Submissions (20):

Labcorp Genetics (formerly Invitae), Labcorp
Classification: Likely benign. Last evaluated: 2026-02-03. Review status: criteria provided, single submitter. Criteria: Invitae Variant Classification Sherloc (09022015). Collection method: clinical testing. Allele origin: germline.

Center for Genomic Medicine, Rigshospitalet, Copenhagen University Hospital
Classification: Uncertain significance. Last evaluated: 2025-12-29. Review status: criteria provided, single submitter. Criteria: ACMG Guidelines, 2015. Collection method: clinical testing. Allele origin: germline.

Quest Diagnostics Nichols Institute San Juan Capistrano
Classification: Likely benign. Last evaluated: 2025-10-31. Review status: criteria provided, single submitter. Criteria: Quest Diagnostics criteria. Collection method: clinical testing. Allele origin: unknown.

Mayo Clinic Laboratories, Mayo Clinic
Classification: Uncertain significance. Last evaluated: 2025-09-09. Review status: criteria provided, single submitter. Criteria: ACMG Guidelines, 2015. Collection method: clinical testing. Allele origin: germline. Observed: 3 variant alleles.
Comment: BS1, PP3_moderate

Molecular Diagnostics Laboratory, Catalan Institute of Oncology
Classification: Uncertain significance for Hereditary cancer-predisposing syndrome. Last evaluated: 2025-08-25. Review status: criteria provided, single submitter. Criteria: ACMG Guidelines, 2015. Collection method: clinical testing. Allele origin: germline.
Comment: PP3 c.298C>T, located in exon 2 of the NTHL1 gene, is predicted to result in the substitution of arginine with cysteine at codon 100, p.(Arg100Cys). It corresponds to c.274C>T, p.(Arg92Cys) according to NM_002528.7. This variant is found in 246/268298 alleles at a frequency of 0.09% in the gnomAD v2.1.1 database, non-cancer dataset. The SpliceAI algorithm predicts no significant impact on splicing. The REVEL meta-predictor score for this variant (0.744) suggests a deleterious effect on protein function according to Pejaver 2022 thresholds (PMID: 36413997) (PP3). To our knowledge, no well-established functional studies have been reported for this variant. It has been reported in 19 out of 4985 breast cancer cases and 14 of the 4786 healthy controls in a case-control study (PMID: 33980861). This variant has been reported in multiple individuals with polyposis (PMID: 37834005, 34704405) and has been found in different types of cancer (PMID: 24448499, 29641532, 32295625, 27460824). This variant has been reported in the ClinVar database (4x likely benign, 9x uncertain significance) and in LOVD (1x likely benign, 4x uncertain significance). Based on the currently available evidence, c.298C>T is classified as an uncertain significance variant according to ACMG/AMP classification guidelines.

GeneDx
Classification: Uncertain significance. Last evaluated: 2025-06-06. Review status: criteria provided, single submitter. Criteria: GeneDx Variant Classification Process June 2021. Collection method: clinical testing. Allele origin: germline. Affected: yes.
Comment: Observed in individuals with ovarian cancer, breast cancer, adenomatous polyps, and leukemia (PMID: 30584090, 33332384, 33980861, 37834005); In silico analysis supports that this missense variant has a deleterious effect on protein structure/function; This variant is associated with the following publications: (PMID: 30584090, 29641532, 33980861, 33332384, 20054297, 32906206, 37834005)

Blueprint Genetics
Classification: Uncertain significance. Last evaluated: 2024-11-14. Review status: criteria provided, single submitter. Criteria: ACMG Guidelines, 2015. Collection method: clinical testing. Allele origin: germline.

CeGaT Center for Human Genetics Tuebingen
Classification: Likely benign. Last evaluated: 2024-08-01. Review status: criteria provided, single submitter. Criteria: CeGaT Center For Human Genetics Tuebingen Variant Classification Criteria Version 2. Collection method: clinical testing. Allele origin: germline. Affected: yes. Observed: 2 variant alleles.
Comment: NTHL1: BP1

St. Jude Molecular Pathology, St. Jude Children's Research Hospital
Classification: Uncertain significance for Familial adenomatous polyposis 3. Last evaluated: 2024-04-30. Review status: criteria provided, single submitter. Criteria: St. Jude Assertion Criteria 2020. Collection method: clinical testing. Allele origin: germline.

Department of Pathology and Laboratory Medicine, Sinai Health System
Classification: Uncertain significance for NTHL1-deficiency tumor predisposition syndrome. Last evaluated: 2023-09-06. Review status: criteria provided, single submitter. Criteria: ACMG Guidelines, 2015. Collection method: clinical testing. Allele origin: germline. Affected: yes.

Mendelics
Classification: Uncertain significance. Last evaluated: 2022-05-04. Review status: criteria provided, single submitter. Criteria: Mendelics Assertion Criteria 2019. Collection method: clinical testing. Allele origin: germline.

Sema4
Classification: Uncertain significance for Hereditary cancer-predisposing syndrome. Last evaluated: 2021-12-30. Review status: criteria provided, single submitter. Criteria: Sema4 Curation Guidelines. Collection method: curation. Allele origin: germline.
Comment: The NTHL1 c.298C>T (p.R100C) variant has been reported in individuals with breast cancer, ovarian cancer, precursor B-cell lymphoblastic leukemia as well as in controls (PMID: 33332384, 30584090, 33980861). It was observed in 32/10344 chromosomes of the Ashkenazi Jewish subpopulation in the large and broad cohorts of the Genome Aggregation Database (PMID: 32461654). The variant has been reported in ClinVar (Variation ID 499145). In silico tools suggest the impact of the variant on protein function is deleterious though these predictions have not been confirmed by functional studies. The evidence is insufficient to meet ACMG/AMP criteria for classifying the variant as benign or pathogenic. Thus, the clinical significance of this variant is currently uncertain.

MGZ Medical Genetics Center
Classification: Uncertain significance for Familial adenomatous polyposis 3. Last evaluated: 2021-11-22. Review status: criteria provided, single submitter. Criteria: ACMG Guidelines, 2015. Collection method: clinical testing. Allele origin: germline. Affected: yes. Observed: 1 variant allele.
Comment: ACMG criteria applied: PP3, BP1

Ambry Genetics
Classification: Likely benign for Hereditary cancer-predisposing syndrome. Last evaluated: 2021-06-14. Review status: criteria provided, single submitter. Criteria: Ambry Variant Classification Scheme 2023. Collection method: clinical testing. Allele origin: germline.

Fulgent Genetics
Classification: Uncertain significance for Familial adenomatous polyposis 3. Last evaluated: 2018-10-31. Review status: criteria provided, single submitter. Criteria: ACMG Guidelines, 2015. Collection method: clinical testing. Allele origin: unknown.

Eurofins Ntd Llc (ga)
Classification: Uncertain significance. Last evaluated: 2016-12-08. Review status: criteria provided, single submitter. Criteria: EGL Classification Definitions 2015. Collection method: clinical testing. Allele origin: germline. Observed: 1 variant allele, 1 heterozygote.

PreventionGenetics, part of Exact Sciences
Classification: Likely benign for NTHL1-related condition. Last evaluated: 2023-05-04. Review status: no assertion criteria provided. Collection method: clinical testing. Allele origin: germline. Not counted in ClinVar's aggregate classification.
Comment: This variant is classified as likely benign based on ACMG/AMP sequence variant interpretation guidelines (Richards et al. 2015 PMID: 25741868, with internal and published modifications).

Clinical Genetics DNA and cytogenetics Diagnostics Lab, Erasmus MC, Erasmus Medical Center
Classification: Uncertain significance. Review status: no assertion criteria provided. Collection method: clinical testing. Allele origin: germline. Affected: yes. Study: VKGL Data-share Consensus. Not counted in ClinVar's aggregate classification.

Clinical Genetics, Academic Medical Center
Classification: Uncertain significance. Review status: no assertion criteria provided. Collection method: clinical testing. Allele origin: germline. Affected: yes. Study: VKGL Data-share Consensus. Not counted in ClinVar's aggregate classification.

Joint Genome Diagnostic Labs from Nijmegen and Maastricht, Radboudumc and MUMC+
Classification: Uncertain significance. Review status: no assertion criteria provided. Collection method: clinical testing. Allele origin: germline. Affected: yes. Study: VKGL Data-share Consensus. Not counted in ClinVar's aggregate classification.

Literature cited by the submitters: PubMed 34704405 (cited by Center for Genomic Medicine, Rigshospitalet, Copenhagen University Hospital); PubMed 20054297 (cited by 4 submitters); PubMed 33980861 (cited by 4 submitters); PubMed 33332384 (cited by Quest Diagnostics Nichols Institute San Juan Capistrano and Sema4); PubMed 32906206 (cited by Quest Diagnostics Nichols Institute San Juan Capistrano); PubMed 37834005 (cited by Mayo Clinic Laboratories, Mayo Clinic); PubMed 30584090 (cited by Sema4).